The following is an entry in ClinVar:

ClinVar aggregate classification (germline): Uncertain significance (1 of 4 stars; one submission).

Allele frequency attached by ClinVar (database versions not stated): gnomAD exomes below 0.00001; TOPMed below 0.00001; ExAC 0.00001.
gnomAD v4.1: 6 of 1,610,474 alleles (0.00037%); highest among the groups gnomAD compares: Non-Finnish European, 0.00051%; no homozygotes.

Submission:

Labcorp Genetics (formerly Invitae), Labcorp
Classification: Uncertain significance. Last evaluated: 2023-08-10. Review status: criteria provided, single submitter. Criteria: Invitae Variant Classification Sherloc (09022015). Collection method: clinical testing. Allele origin: germline.
Comment: In summary, the available evidence is currently insufficient to determine the role of this variant in disease. Therefore, it has been classified as a Variant of Uncertain Significance. Advanced modeling of protein sequence and biophysical properties (such as structural, functional, and spatial information, amino acid conservation, physicochemical variation, residue mobility, and thermodynamic stability) performed at Invitae indicates that this missense variant is not expected to disrupt CLTC protein function. ClinVar contains an entry for this variant (Variation ID: 1930864). This variant has not been reported in the literature in individuals affected with CLTC-related conditions. This variant is present in population databases (rs770723620, gnomAD 0.0009%). This sequence change replaces asparagine, which is neutral and polar, with serine, which is neutral and polar, at codon 968 of the CLTC protein (p.Asn968Ser).

NM_004859.4(CLTC):c.2891A>G (p.Asn964Ser)

Gene: CLTC (clathrin heavy chain; plus strand). Cytogenetic location: 17q23.1.
Variant type: single nucleotide variant.
Coding change: c.2891A>G on transcript NM_004859.4 (MANE Select); coding-DNA position 2891, A replaced by G.
Protein change: p.Asn964Ser; replaces asparagine 964 with serine.
Molecular consequence: missense variant.
Genome position (GRCh38, 1-based): chr17:59,679,491, A>G. VCF-style: chr17-59679491-A-G. GRCh37 (hg19) VCF-style: chr17-57756852-A-G.
Other names: c.2903A>G, p.Asn968Ser (NM_001288653.2); short protein forms N964S, N968S.
Identifiers: ClinVar variation 1930864 (VCV001930864.5), dbSNP rs770723620, ClinGen allele CA8681482.